The following is an entry in ClinVar:

NM_000088.4(COL1A1):c.931G>C (p.Gly311Arg)

Gene: COL1A1 (collagen type I alpha 1 chain; minus strand). Cytogenetic location: 17q21.33.
Variant type: single nucleotide variant.
Coding change: c.931G>C on transcript NM_000088.4 (MANE Select); coding-DNA position 931, G replaced by C.
Protein change: p.Gly311Arg; replaces glycine 311 with arginine.
Molecular consequence: missense variant.
Genome position (GRCh38, 1-based): chr17:50,196,340, C>G on the plus strand (G>C on the coding strand, the complement: COL1A1 is on the minus strand). VCF-style: chr17-50196340-C-G. GRCh37 (hg19) VCF-style: chr17-48273701-C-G.
Other names: short protein forms G311R.
Identifiers: ClinVar variation 1410496 (VCV001410496.9), dbSNP rs72645345, ClinGen allele CA291547218.

ClinVar aggregate classification (germline): Pathogenic. Review status: criteria provided, multiple submitters, no conflicts (2 of 4 stars). 2 submissions from 2 submitters: Pathogenic (2). Last evaluated 2021-08-03.

Conditions:
Osteogenesis imperfecta type I (OI1). Also called: OI, TYPE I; OSTEOGENESIS IMPERFECTA TARDA; OSTEOGENESIS IMPERFECTA WITH BLUE SCLERAE; Osteogenesis imperfecta type 1; Lobstein's Disease; Lobstein disease. Identifiers: Orphanet 216796, Orphanet 666, MedGen C0023931, MONDO:0008146, OMIM 166200. Disease mechanism: loss of function.
COL1A1-related disorder. Also called: COL1A1-related condition; COL1A1- related disease.

Submissions (2):

Blueprint Genetics
Classification: Pathogenic for COL1A1-related disorders. Last evaluated: 2021-08-03. Review status: criteria provided, single submitter. Criteria: ACMG Guidelines, 2015. Collection method: clinical testing. Allele origin: germline. Affected: yes. Observed: 1 variant allele.

Labcorp Genetics (formerly Invitae), Labcorp
Classification: Pathogenic for Osteogenesis imperfecta type I. Last evaluated: 2021-07-26. Review status: criteria provided, single submitter. Criteria: Invitae Variant Classification Sherloc (09022015). Collection method: clinical testing. Allele origin: germline.
Comment: For these reasons, this variant has been classified as Pathogenic. This variant disrupts the triple helix domain of COL1A1. Glycine residues within the Gly-Xaa-Yaa repeats of the triple helix domain are required for the structure and stability of fibrillar collagens (PMID: 7695699, 8218237, 19344236). In COL1A1, variants affecting these glycine residues are significantly enriched in individuals with disease (PMID: 9016532, 17078022) compared to the general population (ExAC). Advanced modeling of protein sequence and biophysical properties (such as structural, functional, and spatial information, amino acid conservation, physicochemical variation, residue mobility, and thermodynamic stability) performed at Invitae indicates that this missense variant is expected to disrupt COL1A1 protein function. This variant is also known as G133R. This variant has been observed in individual(s) with osteogenesis imperfecta type IV (PMID: 11317364). This variant is not present in population databases (ExAC no frequency). This sequence change replaces glycine with arginine at codon 311 of the COL1A1 protein (p.Gly311Arg). The glycine residue is highly conserved and there is a moderate physicochemical difference between glycine and arginine.

Literature cited by the submitters: PubMed 7695699 (cited by Labcorp Genetics (formerly Invitae), Labcorp); PubMed 8218237 (cited by Labcorp Genetics (formerly Invitae), Labcorp); PubMed 19344236 (cited by Labcorp Genetics (formerly Invitae), Labcorp); PubMed 9016532 (cited by Labcorp Genetics (formerly Invitae), Labcorp); PubMed 17078022 (cited by Labcorp Genetics (formerly Invitae), Labcorp); PubMed 11317364 (cited by Labcorp Genetics (formerly Invitae), Labcorp).